The following is an entry in ClinVar:

ClinVar aggregate classification (germline): Uncertain significance (1 of 4 stars; one submission).

Conditions:
Mucopolysaccharidosis, MPS-III-B (MPS3B). Also called: N-ACETYL-ALPHA-D-GLUCOSAMINIDASE DEFICIENCY; NAGLU DEFICIENCY; SANFILIPPO SYNDROME B; MPS III B; Mucopolysaccharidosis type IIIB (Sanfilippo B); MPS IIIB (Sanfilippo Syndrome Type B). Identifiers: Orphanet 79270, MedGen C0086648, MONDO:0009656, OMIM 252920.
Charcot-Marie-Tooth disease axonal type 2V. Also called: CHARCOT-MARIE-TOOTH NEUROPATHY, TYPE 2V; CHARCOT-MARIE-TOOTH DISEASE, AXONAL, AUTOSOMAL DOMINANT, TYPE 2V. Identifiers: Orphanet 447964, MedGen C5569050, MONDO:0014665, OMIM 616491.

Submission:

Labcorp Genetics (formerly Invitae), Labcorp
Classification: Uncertain significance for Charcot-Marie-Tooth disease axonal type 2V; Mucopolysaccharidosis, MPS-III-B. Last evaluated: 2022-04-20. Review status: criteria provided, single submitter. Criteria: Invitae Variant Classification Sherloc (09022015). Collection method: clinical testing. Allele origin: germline.
Comment: In summary, the available evidence is currently insufficient to determine the role of this variant in disease. Therefore, it has been classified as a Variant of Uncertain Significance. Algorithms developed to predict the effect of missense changes on protein structure and function are either unavailable or do not agree on the potential impact of this missense change (SIFT: "Tolerated"; PolyPhen-2: "Not Available"; Align-GVGD: "Class C0"). This variant has not been reported in the literature in individuals affected with NAGLU-related conditions. This variant is not present in population databases (gnomAD no frequency). This sequence change replaces glutamic acid, which is acidic and polar, with glycine, which is neutral and non-polar, at codon 25 of the NAGLU protein (p.Glu25Gly).

NM_000263.4(NAGLU):c.74A>G (p.Glu25Gly)

Genes: NAGLU (N-acetyl-alpha-glucosaminidase; plus strand), LOC130060903 (ATAC-STARR-seq lymphoblastoid silent region 8533; plus strand). Cytogenetic location: 17q21.2.
Variant type: single nucleotide variant.
Coding change: c.74A>G on transcript NM_000263.4 (MANE Select); coding-DNA position 74, A replaced by G.
Protein change: p.Glu25Gly; replaces glutamic acid 25 with glycine.
Molecular consequence: missense variant.
Genome position (GRCh38, 1-based): chr17:42,536,346, A>G. VCF-style: chr17-42536346-A-G. GRCh37 (hg19) VCF-style: chr17-40688364-A-G.
Other names: short protein forms E25G.
Identifiers: ClinVar variation 1959180 (VCV001959180.5), dbSNP rs2510649767, ClinGen allele CA399595208.